The following is an entry in ClinVar:

NM_080425.4(GNAS):c.1738G>A (p.Glu580Lys)

Gene: GNAS (GNAS complex locus; plus strand). Cytogenetic location: 20q13.32.
Variant type: single nucleotide variant.
Coding change: c.1738G>A on transcript NM_080425.4 (MANE Plus Clinical); coding-DNA position 1738, G replaced by A.
Protein change: p.Glu580Lys; replaces glutamic acid 580 with lysine.
Molecular consequence: missense variant. On other transcripts: synonymous variant (2), intron variant (3).
Genome position (GRCh38, 1-based): chr20:58,855,003, G>A. VCF-style: chr20-58855003-G-A. GRCh37 (hg19) VCF-style: chr20-57430058-G-A.
Other names: c.1551G>A, p.Thr517= (NM_001077490.3, NM_001309883.1); c.1738G>A, p.Glu580Lys (NM_001410913.1); c.*42+14117G>A (NM_016592.5); c.43+14117G>A (NM_001410912.1); c.-39+13128G>A (NM_001309861.2); short protein forms E580K.
Identifiers: ClinVar variation 1707906 (VCV001707906.3), dbSNP rs1358580640, ClinGen allele CA409462660.

ClinVar aggregate classification (germline): Uncertain significance. Review status: criteria provided, multiple submitters, no conflicts (2 of 4 stars). 2 submissions from 2 submitters: Uncertain significance (2). Last evaluated 2026-06-18.

Conditions:
GNAS-related disorder. Identifiers: MedGen CN380105.

Allele frequency attached by ClinVar (database versions not stated): gnomAD exomes 0.00002.
gnomAD v4.1: 22 of 1,612,736 alleles (0.0014%); highest among the groups gnomAD compares: Non-Finnish European, 0.0017%; no homozygotes.

Submissions (2):

PreventionGenetics, part of Exact Sciences
Classification: Uncertain significance for GNAS-related condition. Last evaluated: 2026-06-18. Review status: criteria provided, single submitter. Criteria: ACMG Guidelines, 2015. Collection method: clinical testing. Allele origin: germline.
Comment: The GNAS c.1738G>A variant is predicted to result in the amino acid substitution p.Glu580Lys. Of note, this variant can also be referred to as c.-36724G>A (pre-coding) with the more commonly reported isoform, NM_000516. To our knowledge, this variant has not been reported in the literature. This variant is reported in 0.00091% of alleles in individuals of European (Non-Finnish) descent in gnomAD. At this time, the clinical significance of this variant is uncertain due to the absence of conclusive functional and genetic evidence.

GeneDx
Classification: Uncertain significance. Last evaluated: 2022-04-01. Review status: criteria provided, single submitter. Criteria: GeneDx Variant Classification Process June 2021. Collection method: clinical testing. Allele origin: germline. Affected: yes.
Comment: Located in an alternate transcript of the gene; In silico analysis supports that this missense variant does not alter protein structure/function; Has not been previously published as pathogenic or benign to our knowledge